The following is an entry in ClinVar:

ClinVar aggregate classification (germline): Uncertain significance (1 of 4 stars; one submission).

Conditions:
Carnitine palmitoyl transferase 1A deficiency. Also called: Carnitine palmitoyltransferase type I deficiency; CPT deficiency, hepatic, type IA; Carnitine palmitoyltransferase 1A deficiency; CPT I DEFICIENCY; CPT DEFICIENCY, HEPATIC, TYPE I. Identifiers: Orphanet 156, MedGen C1829703, MONDO:0009705, OMIM 255120.

Allele frequency attached by ClinVar (database versions not stated): gnomAD exomes 0.00001; ExAC 0.00003.
gnomAD v4.1: 4 of 1,612,146 alleles (0.00025%); highest among the groups gnomAD compares: South Asian, 0.0033%; no homozygotes.

Submission:

Labcorp Genetics (formerly Invitae), Labcorp
Classification: Uncertain significance for Carnitine palmitoyl transferase 1A deficiency. Last evaluated: 2024-11-11. Review status: criteria provided, single submitter. Criteria: Invitae Variant Classification Sherloc (09022015). Collection method: clinical testing. Allele origin: germline.
Comment: This sequence change replaces alanine, which is neutral and non-polar, with valine, which is neutral and non-polar, at codon 306 of the CPT1A protein (p.Ala306Val). This variant is present in population databases (rs766356226, gnomAD 0.01%). This variant has not been reported in the literature in individuals affected with CPT1A-related conditions. ClinVar contains an entry for this variant (Variation ID: 2156428). Invitae Evidence Modeling of protein sequence and biophysical properties (such as structural, functional, and spatial information, amino acid conservation, physicochemical variation, residue mobility, and thermodynamic stability) has been performed for this missense variant. However, the output from this modeling did not meet the statistical confidence thresholds required to predict the impact of this variant on CPT1A protein function. In summary, the available evidence is currently insufficient to determine the role of this variant in disease. Therefore, it has been classified as a Variant of Uncertain Significance.

NM_001876.4(CPT1A):c.917C>T (p.Ala306Val)

Gene: CPT1A (carnitine palmitoyltransferase 1A; minus strand). Cytogenetic location: 11q13.3.
Variant type: single nucleotide variant.
Coding change: c.917C>T on transcript NM_001876.4 (MANE Select); coding-DNA position 917, C replaced by T.
Protein change: p.Ala306Val; replaces alanine 306 with valine.
Molecular consequence: missense variant.
Genome position (GRCh38, 1-based): chr11:68,793,365, G>A on the plus strand (C>T on the coding strand, the complement: CPT1A is on the minus strand). VCF-style: chr11-68793365-G-A. GRCh37 (hg19) VCF-style: chr11-68560833-G-A.
Other names: c.917C>T, p.Ala306Val (NM_001031847.3); short protein forms A306V.
Identifiers: ClinVar variation 2156428 (VCV002156428.2), dbSNP rs766356226, ClinGen allele CA6152481.